The following is an entry in ClinVar:

ClinVar aggregate classification (germline): Benign/Likely benign. Review status: criteria provided, multiple submitters, no conflicts (2 of 4 stars). 3 submissions from 3 submitters: Benign (1); Likely benign (2). Last evaluated 2026-08-18.

Conditions:
DICER1-related tumor predisposition. Also called: DICER1 syndrome; DICER1-related pleuropulmonary blastoma cancer predisposition syndrome. Identifiers: Orphanet 284343, MedGen C3839822, MONDO:0100216.
Hereditary cancer-predisposing syndrome. Also called: Hereditary Cancer Syndrome; Tumor predisposition; Hereditary neoplastic syndrome; Neoplastic Syndromes, Hereditary. Identifiers: Orphanet 140162, MedGen C0027672, MeSH D009386, MONDO:0015356.

Allele frequency attached by ClinVar (database versions not stated): gnomAD exomes below 0.00001.

Submissions (3):

Myriad Genetics, Inc.
Classification: Benign for DICER1-related tumor predisposition. Last evaluated: 2026-08-18. Review status: criteria provided, single submitter. Criteria: Myriad Autosomal Dominant, Autosomal Recessive and X-Linked Classification Criteria (2023). Collection method: clinical testing. Allele origin: unknown.
Comment: This variant is considered benign. This variant is a silent/synonymous amino acid change and it is not expected to impact splicing.

Labcorp Genetics (formerly Invitae), Labcorp
Classification: Likely benign for DICER1-related tumor predisposition. Last evaluated: 2019-03-04. Review status: criteria provided, single submitter. Criteria: Invitae Variant Classification Sherloc (09022015). Collection method: clinical testing. Allele origin: germline.

Ambry Genetics
Classification: Likely benign for Hereditary cancer-predisposing syndrome. Last evaluated: 2018-10-03. Review status: criteria provided, single submitter. Criteria: Ambry Variant Classification Scheme 2023. Collection method: clinical testing. Allele origin: germline.

NM_177438.3(DICER1):c.5151C>A (p.Thr1717=)

Gene: DICER1 (dicer 1, ribonuclease III; minus strand). Cytogenetic location: 14q32.13.
Variant type: single nucleotide variant.
Coding change: c.5151C>A on transcript NM_177438.3 (MANE Select); coding-DNA position 5151, C replaced by A.
Protein change: p.Thr1717=; no amino-acid change (threonine 1717 retained).
Molecular consequence: synonymous variant.
Genome position (GRCh38, 1-based): chr14:95,094,101, G>T on the plus strand (C>A on the coding strand, the complement: DICER1 is on the minus strand). VCF-style: chr14-95094101-G-T. GRCh37 (hg19) VCF-style: chr14-95560438-G-T.
Other names: c.5151C>A, p.Thr1717= (NM_001195573.1, NM_001271282.3, NM_001291628.2 and 1 more transcripts).
Identifiers: ClinVar variation 242131 (VCV000242131.18), dbSNP rs878855273, ClinGen allele CA10583186.